The following is an entry in ClinVar:

NM_005120.3(MED12):c.6318GCA[1] (p.Gln2113_Gln2115del)

Gene: MED12 (mediator complex subunit 12; plus strand). Cytogenetic location: Xq13.1.
Variant type: Microsatellite.
Coding change: c.6318GCA[1] on transcript NM_005120.3 (MANE Select); one copy of the 3-base unit GCA starting at c.6318; the reference has four copies in a row; three copies, 9 bases deleted.
Protein change: p.Gln2113_Gln2115del.
Genome position (GRCh38, 1-based): chrX:71,141,283-71,141,291, GCAGCAGCA deleted; deleting any 9 consecutive bases within chrX:71,141,278-71,141,291 gives the same sequence; the position shown is the placement nearest the transcript's 3' end. VCF-style (leftmost placement, unchanged base first): chrX-71141277-ACAGCAGCAG-A. GRCh37 (hg19) VCF-style: chrX-70361127-ACAGCAGCAG-A.
Identifiers: ClinVar variation 3726162 (VCV003726162.2).

ClinVar aggregate classification (germline): Uncertain significance (1 of 4 stars; one submission).

Conditions:
FG syndrome (FGS). Identifiers: MedGen C0220769, MONDO:0002010.

Submission:

Labcorp Genetics (formerly Invitae), Labcorp
Classification: Uncertain significance for FG syndrome. Last evaluated: 2025-08-12. Review status: criteria provided, single submitter. Criteria: Invitae Variant Classification Sherloc (09022015). Collection method: clinical testing. Allele origin: germline.
Comment: This variant, c.6321_6329del, results in the deletion of 3 amino acid(s) of the MED12 protein (p.Gln2113_Gln2115del), but otherwise preserves the integrity of the reading frame. This variant is not present in population databases (gnomAD no frequency). This variant has not been reported in the literature in individuals affected with MED12-related conditions. Experimental studies and prediction algorithms are not available or were not evaluated, and the functional significance of this variant is currently unknown. In summary, the available evidence is currently insufficient to determine the role of this variant in disease. Therefore, it has been classified as a Variant of Uncertain Significance.